The following is an entry in ClinVar:

NC_000017.10:g.(?_2568646)_(2585096_?)del

Gene: PAFAH1B1 (platelet activating factor acetylhydrolase 1b regulatory subunit 1; plus strand). Cytogenetic location: 17p13.3.
Variant type: Deletion.
Identifiers: ClinVar variation 1403994 (VCV001403994.7).

ClinVar aggregate classification (germline): Pathogenic (1 of 4 stars; one submission).

Submission:

Labcorp Genetics (formerly Invitae), Labcorp
Classification: Pathogenic. Last evaluated: 2023-11-27. Review status: criteria provided, single submitter. Criteria: Invitae Variant Classification Sherloc (09022015). Collection method: clinical testing. Allele origin: germline.
Comment: This variant is a gross deletion of the genomic region encompassing exon(s) 3-11 of the PAFAH1B1 gene, which includes the termination codon. This deletion extends beyond the assayed region for this gene and therefore may encompass additional genes. While this deletion is not anticipated to lead to nonsense mediated decay, it is expected to alter mRNA translation or result in a truncated protein product. A similar copy number variant has been observed in individual(s) with lissencephaly (PMID: 26494205). The region of the PAFAH1B1 gene that includes exon(s) 11 has been determined to be clinically significant (PMID: 19667223). Therefore, deletions that encompass that region are likely to be disease-causing. For these reasons, this variant has been classified as Pathogenic.

Literature cited by the submitters: PubMed 26494205; PubMed 19667223.